The following is an entry in ClinVar:

ClinVar aggregate classification (germline): Likely benign. Review status: criteria provided, multiple submitters, no conflicts (2 of 4 stars). 4 submissions from 4 submitters: Likely benign (4). Last evaluated 2026-01-11.

Conditions:
VPS53-related disorder. Also called: VPS53-related condition.

Allele frequency attached by ClinVar (database versions not stated): ExAC 0.00005; gnomAD exomes 0.00010; TOPMed 0.00011; gnomAD 0.00013 and 0.00014.
gnomAD v4.1: 187 of 1,549,514 alleles (0.012%); highest among the groups gnomAD compares: Middle Eastern, 0.017%; no homozygotes.

Submissions (4):

Labcorp Genetics (formerly Invitae), Labcorp
Classification: Likely benign. Last evaluated: 2026-01-11. Review status: criteria provided, single submitter. Criteria: Invitae Variant Classification Sherloc (09022015). Collection method: clinical testing. Allele origin: germline.

PreventionGenetics, part of Exact Sciences
Classification: Likely benign for VPS53-related condition. Last evaluated: 2025-05-31. Review status: criteria provided, single submitter. Criteria: ACMG Guidelines, 2015. Collection method: clinical testing. Allele origin: germline.
Comment: This variant is classified as likely benign based on ACMG/AMP sequence variant interpretation guidelines (Richards et al. 2015 PMID: 25741868, with internal and published modifications).

CeGaT Center for Human Genetics Tuebingen
Classification: Likely benign. Last evaluated: 2023-05-01. Review status: criteria provided, single submitter. Criteria: CeGaT Center For Human Genetics Tuebingen Variant Classification Criteria Version 2. Collection method: clinical testing. Allele origin: germline. Affected: yes. Observed: 1 variant allele.
Comment: VPS53: BP4, BP7

GeneDx
Classification: Likely benign. Last evaluated: 2020-02-17. Review status: criteria provided, single submitter. Criteria: GeneDx Variant Classification Process June 2021. Collection method: clinical testing. Allele origin: germline. Affected: yes.

NM_001128159.3(VPS53):c.2412C>T (p.Ser804=)

Gene: VPS53 (VPS53 subunit of GARP complex; minus strand). Cytogenetic location: 17p13.3.
Variant type: single nucleotide variant.
Coding change: c.2412C>T on transcript NM_001128159.3 (MANE Select); coding-DNA position 2412, C replaced by T.
Protein change: p.Ser804=; no amino-acid change (serine 804 retained).
Molecular consequence: synonymous variant.
Genome position (GRCh38, 1-based): chr17:519,215, G>A on the plus strand (C>T on the coding strand, the complement: VPS53 is on the minus strand). VCF-style: chr17-519215-G-A. GRCh37 (hg19) VCF-style: chr17-422455-G-A.
Identifiers: ClinVar variation 1207849 (VCV001207849.31), dbSNP rs768263237, ClinGen allele CA8261138.